The following is an entry in ClinVar:

ClinVar aggregate classification (germline): Pathogenic (1 of 4 stars; one submission).

Conditions:
Familial thoracic aortic aneurysm and aortic dissection (TAAD). Also called: Thoracic aortic aneurysms and dissections. Identifiers: Orphanet 91387, MedGen C4707243, MONDO:0019625.

Submission:

Labcorp Genetics (formerly Invitae), Labcorp
Classification: Pathogenic for Familial thoracic aortic aneurysm and aortic dissection. Last evaluated: 2022-12-09. Review status: criteria provided, single submitter. Criteria: Invitae Variant Classification Sherloc (09022015). Collection method: clinical testing. Allele origin: germline.
Comment: This sequence change replaces serine, which is neutral and polar, with phenylalanine, which is neutral and non-polar, at codon 441 of the TGFBR2 protein (p.Ser441Phe). This variant is not present in population databases (gnomAD no frequency). This missense change has been observed in individual(s) with clinical features of TGFBR2-related conditions (PMID: 16799921, 29510914). In at least one individual the variant was observed to be de novo. Advanced modeling of protein sequence and biophysical properties (such as structural, functional, and spatial information, amino acid conservation, physicochemical variation, residue mobility, and thermodynamic stability) performed at Invitae indicates that this missense variant is expected to disrupt TGFBR2 protein function. For these reasons, this variant has been classified as Pathogenic.

Literature cited by the submitters: PubMed 16799921; PubMed 29510914.

NM_003242.6(TGFBR2):c.1322C>T (p.Ser441Phe)

Gene: TGFBR2 (transforming growth factor beta receptor 2; plus strand). Cytogenetic location: 3p24.1.
Variant type: single nucleotide variant.
Coding change: c.1322C>T on transcript NM_003242.6 (MANE Select); coding-DNA position 1322, C replaced by T.
Protein change: p.Ser441Phe; replaces serine 441 with phenylalanine.
Molecular consequence: missense variant. On other transcripts: intron variant (1).
Genome position (GRCh38, 1-based): chr3:30,674,172, C>T. VCF-style: chr3-30674172-C-T. GRCh37 (hg19) VCF-style: chr3-30715664-C-T.
Other names: c.1397C>T, p.Ser466Phe (NM_001024847.3); c.1505C>T, p.Ser502Phe (NM_001407126.1); c.1430C>T, p.Ser477Phe (NM_001407127.1); c.1349C>T, p.Ser450Phe (NM_001407128.1); c.1325C>T, p.Ser442Phe (NM_001407129.1); c.1322C>T, p.Ser441Phe (NM_001407130.1); c.1217C>T, p.Ser406Phe (NM_001407132.1, NM_001407133.1, NM_001407134.1 and 2 more transcripts); c.1037C>T, p.Ser346Phe (NM_001407137.1); and 2 more; short protein forms S346F, S466F, S441F, S450F, S321F, S406F, S477F, S502F.
Identifiers: ClinVar variation 2734460 (VCV002734460.3), dbSNP rs1699393106, ClinGen allele CA351809016.